The following is an entry in ClinVar:

ClinVar aggregate classification (germline): Uncertain significance (1 of 4 stars; one submission).

Conditions:
Inborn genetic diseases. Identifiers: MedGen C0950123, MeSH D030342.

Submission:

Ambry Genetics
Classification: Uncertain significance for Inborn genetic diseases. Last evaluated: 2026-05-21. Review status: criteria provided, single submitter. Criteria: Ambry Variant Classification Scheme 2023. Collection method: clinical testing. Allele origin: germline.
Comment: The c.1153-3C>T intronic variant results from a C to T substitution 3 nucleotides upstream from coding exon 7 in the ETV6 gene. This nucleotide position is well conserved in available vertebrate species. In silico splice site analysis predicts that this alteration will not have any significant effect on splicing. Based on the available evidence, the clinical significance of this variant remains unclear.

NM_001987.5(ETV6):c.1153-3C>T

Gene: ETV6 (ETS variant transcription factor 6; plus strand). Cytogenetic location: 12p13.2.
Variant type: single nucleotide variant.
Coding change: c.1153-3C>T on transcript NM_001987.5 (MANE Select); 3 bases into the intron before coding-DNA position 1153, C replaced by T.
Molecular consequence: intron variant.
Genome position (GRCh38, 1-based): chr12:11,885,923, C>T. VCF-style: chr12-11885923-C-T. GRCh37 (hg19) VCF-style: chr12-12038857-C-T.
Other names: c.1126-3C>T (NM_001413914.1); c.1010-5018C>T (NM_001413917.1); c.1150-3C>T (NM_001413913.1); c.889-3C>T (NM_001413915.1).
Identifiers: ClinVar variation 4870669 (VCV004870669.1).